The following is an entry in ClinVar:

ClinVar aggregate classification (germline): Likely pathogenic (1 of 4 stars; one submission).

Conditions:
Primary hyperoxaluria, type I (HP1). Also called: OXALOSIS I; Primary hyperoxaluria type 1; GLYCOLIC ACIDURIA; HEPATIC AGT DEFICIENCY. Identifiers: Orphanet 416, Orphanet 93598, MedGen C0268164, MONDO:0009823, OMIM 259900. Disease mechanism: loss of function.

Submission:

Clinical Biochemistry Laboratory, Health Services Laboratory
Classification: Likely pathogenic for Primary hyperoxaluria, type I. Last evaluated: 2023-10-27. Review status: criteria provided, single submitter. Criteria: ACMG Guidelines, 2015. Collection method: curation. Allele origin: germline. Affected: yes.
Comment: ACMG:PM2 PM5 PP2 PP3

Literature cited by the submitters: PubMed 36185032.

NM_000030.3(AGXT):c.242C>G (p.Ser81Trp)

Gene: AGXT (alanine--glyoxylate aminotransferase; plus strand). Cytogenetic location: 2q37.3.
Variant type: single nucleotide variant.
Coding change: c.242C>G on transcript NM_000030.3 (MANE Select); coding-DNA position 242, C replaced by G.
Protein change: p.Ser81Trp; replaces serine 81 with tryptophan.
Molecular consequence: missense variant.
Genome position (GRCh38, 1-based): chr2:240,869,246, C>G. VCF-style: chr2-240869246-C-G. GRCh37 (hg19) VCF-style: chr2-241808663-C-G.
Other names: short protein forms S81W.
Identifiers: ClinVar variation 2681156 (VCV002681156.1), dbSNP rs180177184, ClinGen allele CA351313529.
Genomic context (GRCh38, chr2:240,869,246, plus strand): 5'-AGGAAGGCATCCAGTACGTGTTCCAGACCAGGAACCCACTCACACTGGTCATCTCTGGCT[C>G]GGGACACTGTGCCCTGGAGGCCGCCCTGGTCAATGTGCTGGAGCCTGGGGACTCCTTCCT-3'
Protein context (NP_000021.1, residues 71-91): RNPLTLVISG[Ser81Trp]GHCALEAALV